The following is an entry in ClinVar:

NM_001165963.4(SCN1A):c.300C>G (p.Phe100Leu)

Gene: SCN1A (sodium voltage-gated channel alpha subunit 1; minus strand). Cytogenetic location: 2q24.3.
Variant type: single nucleotide variant.
Coding change: c.300C>G on transcript NM_001165963.4 (MANE Select); coding-DNA position 300, C replaced by G.
Protein change: p.Phe100Leu; replaces phenylalanine 100 with leucine.
Molecular consequence: missense variant. On other transcripts: 5 prime UTR variant (1), non-coding transcript variant (1).
Genome position (GRCh38, 1-based): chr2:166,058,653, G>C on the plus strand (C>G on the coding strand, the complement: SCN1A is on the minus strand). VCF-style: chr2-166058653-G-C. GRCh37 (hg19) VCF-style: chr2-166915163-G-C.
Other names: c.300C>G, p.Phe100Leu (NM_001353957.2, NM_001353958.2, NM_001353960.2 and 10 more transcripts); c.-2126C>G (NM_001353961.2); short protein forms F100L.
Identifiers: ClinVar variation 1396846 (VCV001396846.7), dbSNP rs2105918428, ClinGen allele CA349077150.

ClinVar aggregate classification (germline): Likely pathogenic (1 of 4 stars; one submission).

Conditions:
Early-infantile DEE. Also called: Early infantile epileptic encephalopathy with suppression bursts; Early infantile epileptic encephalopathy; Ohtahara syndrome. Identifiers: Orphanet 1934, MedGen C0393706, MONDO:0800491.

Submission:

Labcorp Genetics (formerly Invitae), Labcorp
Classification: Likely pathogenic for Early-infantile DEE. Last evaluated: 2023-11-27. Review status: criteria provided, single submitter. Criteria: Invitae Variant Classification Sherloc (09022015). Collection method: clinical testing. Allele origin: germline.
Comment: This sequence change replaces phenylalanine, which is neutral and non-polar, with leucine, which is neutral and non-polar, at codon 100 of the SCN1A protein (p.Phe100Leu). This variant is not present in population databases (gnomAD no frequency). This variant has not been reported in the literature in individuals affected with SCN1A-related conditions. ClinVar contains an entry for this variant (Variation ID: 1396846). Advanced modeling of protein sequence and biophysical properties (such as structural, functional, and spatial information, amino acid conservation, physicochemical variation, residue mobility, and thermodynamic stability) performed at Invitae indicates that this missense variant is expected to disrupt SCN1A protein function with a positive predictive value of 95%. Algorithms developed to predict the effect of sequence changes on RNA splicing suggest that this variant may disrupt the consensus splice site. This variant disrupts the p.Phe100 amino acid residue in SCN1A. Other variant(s) that disrupt this residue have been determined to be pathogenic (PMID: 31164858). This suggests that this residue is clinically significant, and that variants that disrupt this residue are likely to be disease-causing. In summary, the currently available evidence indicates that the variant is pathogenic, but additional data are needed to prove that conclusively. Therefore, this variant has been classified as Likely Pathogenic.

Literature cited by the submitters: PubMed 31164858.